The following is an entry in ClinVar:

ClinVar aggregate classification (germline): Uncertain significance. Review status: criteria provided, multiple submitters, no conflicts (2 of 4 stars). 3 submissions from 3 submitters: Uncertain significance (3). Last evaluated 2025-12-30.

Conditions:
Cohen syndrome (COH1). Also called: PEPPER SYNDROME; Cutis verticis gyrata, retinitis pigmentosa, and sensorineural deafness. Identifiers: Orphanet 193, MedGen C0265223, MONDO:0008999, OMIM 216550.
VPS13B-related disorder. Also called: VPS13B-related condition.

gnomAD v4.1: 6 of 1,613,394 alleles (0.00037%); highest among the groups gnomAD compares: South Asian, 0.0011%; no homozygotes.

Submissions (3):

PreventionGenetics, part of Exact Sciences
Classification: Uncertain significance for VPS13B-related condition. Last evaluated: 2025-12-30. Review status: criteria provided, single submitter. Criteria: ACMG Guidelines, 2015. Collection method: clinical testing. Allele origin: germline.
Comment: The VPS13B c.1646G>T variant is predicted to result in the amino acid substitution p.Gly549Val. To our knowledge, this variant has not been reported in the literature or in a large population database (gnomAD), indicating this variant is rare. At this time, the clinical significance of this variant is uncertain due to the absence of conclusive functional and genetic evidence.

GeneDx
Classification: Uncertain significance. Last evaluated: 2022-10-05. Review status: criteria provided, single submitter. Criteria: GeneDx Variant Classification Process June 2021. Collection method: clinical testing. Allele origin: germline. Affected: yes.
Comment: Has not been previously published as pathogenic or benign to our knowledge; Not observed at significant frequency in large population cohorts (gnomAD); In silico analysis supports that this missense variant has a deleterious effect on protein structure/function; This variant is associated with the following publications: (PMID: 27535533)

Labcorp Genetics (formerly Invitae), Labcorp
Classification: Uncertain significance for Cohen syndrome. Last evaluated: 2022-04-08. Review status: criteria provided, single submitter. Criteria: Invitae Variant Classification Sherloc (09022015). Collection method: clinical testing. Allele origin: germline.
Comment: This sequence change replaces glycine, which is neutral and non-polar, with valine, which is neutral and non-polar, at codon 549 of the VPS13B protein (p.Gly549Val). This variant is not present in population databases (gnomAD no frequency). This variant has not been reported in the literature in individuals affected with VPS13B-related conditions. Algorithms developed to predict the effect of missense changes on protein structure and function output the following: SIFT: "Not Available"; PolyPhen-2: "Benign"; Align-GVGD: "Not Available". The valine amino acid residue is found in multiple mammalian species, which suggests that this missense change does not adversely affect protein function. In summary, the available evidence is currently insufficient to determine the role of this variant in disease. Therefore, it has been classified as a Variant of Uncertain Significance.

NM_152564.5(VPS13B):c.1646G>T (p.Gly549Val)

Gene: VPS13B (vacuolar protein sorting 13 homolog B; plus strand). Cytogenetic location: 8q22.2.
Variant type: single nucleotide variant.
Coding change: c.1646G>T on transcript NM_152564.5 (MANE Select); coding-DNA position 1646, G replaced by T.
Protein change: p.Gly549Val; replaces glycine 549 with valine.
Molecular consequence: missense variant.
Genome position (GRCh38, 1-based): chr8:99,136,747, G>T. VCF-style: chr8-99136747-G-T. GRCh37 (hg19) VCF-style: chr8-100148975-G-T.
Other names: c.1646G>T, p.Gly549Val (NM_015243.3, NM_017890.5); short protein forms G549V.
Identifiers: ClinVar variation 1708935 (VCV001708935.7), dbSNP rs886062536, ClinGen allele CA371863594.